The following is an entry in ClinVar:

ClinVar aggregate classification (germline): Uncertain significance. Review status: criteria provided, multiple submitters, no conflicts (2 of 4 stars). 2 submissions from 2 submitters: Uncertain significance (2). Last evaluated 2024-07-02.

Allele frequency attached by ClinVar (database versions not stated): gnomAD exomes below 0.00001; TOPMed below 0.00001; gnomAD 0.00001.

Submissions (2):

Ambry Genetics
Classification: Uncertain significance. Last evaluated: 2024-07-02. Review status: criteria provided, single submitter. Criteria: Ambry Variant Classification Scheme 2023. Collection method: clinical testing. Allele origin: germline.

Labcorp Genetics (formerly Invitae), Labcorp
Classification: Uncertain significance. Last evaluated: 2022-07-01. Review status: criteria provided, single submitter. Criteria: Invitae Variant Classification Sherloc (09022015). Collection method: clinical testing. Allele origin: germline.
Comment: This sequence change replaces leucine, which is neutral and non-polar, with valine, which is neutral and non-polar, at codon 183 of the GAS1 protein (p.Leu183Val). In summary, the available evidence is currently insufficient to determine the role of this variant in disease. Therefore, it has been classified as a Variant of Uncertain Significance. Algorithms developed to predict the effect of missense changes on protein structure and function are either unavailable or do not agree on the potential impact of this missense change (SIFT: "Tolerated"; PolyPhen-2: "Probably Damaging"; Align-GVGD: "Class C0"). This variant has not been reported in the literature in individuals affected with GAS1-related conditions. This variant is present in population databases (no rsID available, gnomAD 0.007%).

NM_002048.3(GAS1):c.547C>G (p.Leu183Val)

Gene: GAS1 (growth arrest specific 1; minus strand). Cytogenetic location: 9q21.33.
Variant type: single nucleotide variant.
Coding change: c.547C>G on transcript NM_002048.3 (MANE Select); coding-DNA position 547, C replaced by G.
Protein change: p.Leu183Val; replaces leucine 183 with valine.
Molecular consequence: missense variant.
Genome position (GRCh38, 1-based): chr9:86,946,233, G>C on the plus strand (C>G on the coding strand, the complement: GAS1 is on the minus strand). VCF-style: chr9-86946233-G-C. GRCh37 (hg19) VCF-style: chr9-89561148-G-C.
Other names: c.547C>G (NM_002048.2); short protein forms L183V.
Identifiers: ClinVar variation 1925724 (VCV001925724.6), dbSNP rs1464302014, ClinGen allele CA374015929.